The following is an entry in ClinVar:

NM_001378030.1(CCDC78):c.432C>G (p.Phe144Leu)

Gene: CCDC78 (coiled-coil domain containing 78; minus strand). Cytogenetic location: 16p13.3.
Variant type: single nucleotide variant.
Coding change: c.432C>G on transcript NM_001378030.1 (MANE Select); coding-DNA position 432, C replaced by G.
Protein change: p.Phe144Leu; replaces phenylalanine 144 with leucine.
Molecular consequence: missense variant. On other transcripts: non-coding transcript variant (4), intron variant (1).
Genome position (GRCh38, 1-based): chr16:725,416, G>C on the plus strand (C>G on the coding strand, the complement: CCDC78 is on the minus strand). VCF-style: chr16-725416-G-C. GRCh37 (hg19) VCF-style: chr16-775416-G-C.
Other names: c.432C>G (NM_001031737.2); c.432C>G, p.Phe144Leu (NM_001031737.3, NM_001378031.1); c.-18-123C>G (NM_001378033.1); short protein forms F144L.
Identifiers: ClinVar variation 1035436 (VCV001035436.10), dbSNP rs144640928, ClinGen allele CA7789623.
Genomic context (GRCh38, chr16:725,416, plus strand): 5'-CTGCTGAGGCTTCCCTCTGGCCTTTCCCAGCCAGGCTCTCCATATGCTCATGGTAACCTG[G>C]AATCTGTGGTCATCAGAGTGTCCAGGCACCTGGGCTTTGTGTCTGAGCTCTTGGGCTGCT-3'
Protein context (NP_001364959.1, residues 134-154): QVPGHSDDHR[Phe144Leu]QVQPKNTMNP

ClinVar aggregate classification (germline): Conflicting classifications of pathogenicity. Review status: criteria provided, conflicting classifications (1 of 4 stars). 2 submissions from 2 submitters: Uncertain significance (1); Likely benign (1). Last evaluated 2025-07-31.

Conditions:
Inborn genetic diseases. Identifiers: MedGen C0950123, MeSH D030342.
Congenital myopathy with internal nuclei and atypical cores. Also called: Myopathy, centronuclear, 4. Identifiers: Orphanet 319160, MedGen C4707232, MONDO:0013890, OMIM 614807.

Allele frequency attached by ClinVar (database versions not stated): ExAC 0.00003; TOPMed 0.00004; gnomAD 0.00005 and 0.00006; ESP Exome Variant Server 0.00008; 1000 Genomes Project 30x 0.00031; 1000 Genomes Project 0.00040.
gnomAD v4.1: 20 of 1,612,594 alleles (0.0012%); highest among the groups gnomAD compares: African/African-American, 0.025%; no homozygotes.

Submissions (2):

Ambry Genetics
Classification: Likely benign for Inborn genetic diseases. Last evaluated: 2025-07-31. Review status: criteria provided, single submitter. Criteria: Ambry Variant Classification Scheme 2023. Collection method: clinical testing. Allele origin: germline.

Labcorp Genetics (formerly Invitae), Labcorp
Classification: Uncertain significance for Congenital myopathy with internal nuclei and atypical cores. Last evaluated: 2021-08-25. Review status: criteria provided, single submitter. Criteria: Invitae Variant Classification Sherloc (09022015). Collection method: clinical testing. Allele origin: germline.
Comment: This variant has not been reported in the literature in individuals with CCDC78-related conditions. This variant is present in population databases (rs144640928, ExAC 0.03%). This sequence change replaces phenylalanine with leucine at codon 144 of the CCDC78 protein (p.Phe144Leu). The phenylalanine residue is weakly conserved and there is a small physicochemical difference between phenylalanine and leucine. In summary, the available evidence is currently insufficient to determine the role of this variant in disease. Therefore, it has been classified as a Variant of Uncertain Significance. Algorithms developed to predict the effect of missense changes on protein structure and function output the following: SIFT: "Tolerated"; PolyPhen-2: "Benign"; Align-GVGD: "Class C0". The leucine amino acid residue is found in multiple mammalian species, suggesting that this missense change does not adversely affect protein function. These predictions have not been confirmed by published functional studies and their clinical significance is uncertain.